The following is an entry in ClinVar:

ClinVar aggregate classification (germline): Pathogenic. Review status: criteria provided, multiple submitters, no conflicts (2 of 4 stars). 3 submissions from 3 submitters: Pathogenic (3). Last evaluated 2024-10-09.

Conditions:
Autosomal recessive limb-girdle muscular dystrophy. Identifiers: Orphanet 102015, MedGen C2931907, MONDO:0015152.

Submissions (3):

Victorian Clinical Genetics Services, Murdoch Childrens Research Institute
Classification: Pathogenic for Autosomal recessive limb-girdle muscular dystrophy. Last evaluated: 2024-10-09. Review status: criteria provided, single submitter. Criteria: ACMG Guidelines, 2015. Collection method: clinical testing. Allele origin: germline. Inheritance: Autosomal recessive inheritance. Affected: yes.
Comment: Based on the classification scheme VCGS_Germline_v1.3.5, this variant is classified as Pathogenic. Following criteria are met: 0102 - Loss of function is a known mechanism of disease in this gene and is associated with Miyoshi muscular dystrophy 3 (MIM#613319) and muscular dystrophy, limb-girdle, autosomal recessive 12, (MIM#611307). The mechanism of disease for missense variants causing dominant gnathodiaphyseal dysplasia (MIM#166260) is unclear (PMID: 32112655). (I) 0108 - This gene is associated with both recessive and dominant disease (OMIM). (I) 0115 - Variants in this gene are known to have variable expressivity. Phenotype and severity of phenotype greatly vary between affected individuals (PMID: 22402862). (I) 0201 - Variant is predicted to cause nonsense-mediated decay (NMD) and loss of protein (premature termination codon is located at least 54 nucleotides upstream of the final exon-exon junction). (SP) 0251 - This variant is heterozygous. (I) 0304 - Variant is present in gnomAD (v4) <0.01 (1 heterozygote, 0 homozygotes). (SP) 0701 - Other NMD predicted variants comparable to the one identified in this case have very strong previous evidence for pathogenicity (DECIPHER). (SP) 0803 - This variant has limited previous evidence of pathogenicity in unrelated individuals. Reported pathogenic in two unrelated individuals in ClinVar. (SP) 0905 - No published segregation evidence has been identified for this variant. (I) 1007 - No published functional evidence has been identified for this variant. (I) 1208 - Inheritance information for this variant is not currently available in this individual. (I) Legend: (SP) - Supporting pathogenic, (I) - Information, (SB) - Supporting benign

CeGaT Center for Human Genetics Tuebingen
Classification: Pathogenic. Last evaluated: 2019-05-01. Review status: criteria provided, single submitter. Criteria: CeGaT Center For Human Genetics Tuebingen Variant Classification Criteria Version 2. Collection method: clinical testing. Allele origin: germline. Affected: yes. Observed: 1 variant allele.

Eurofins Ntd Llc (ga)
Classification: Pathogenic. Last evaluated: 2014-12-10. Review status: criteria provided, single submitter. Criteria: EGL Classification Definitions 2015. Collection method: clinical testing. Allele origin: germline. Observed: 1 variant allele, 1 heterozygote.

Literature cited by the submitters: PubMed 22402862 (cited by Victorian Clinical Genetics Services, Murdoch Childrens Research Institute); PubMed 32112655 (cited by Victorian Clinical Genetics Services, Murdoch Childrens Research Institute).

NM_213599.3(ANO5):c.201_205del (p.Ser67fs)

Gene: ANO5 (anoctamin 5; plus strand). Cytogenetic location: 11p14.3.
Variant type: Microsatellite.
Coding change: c.201_205del on transcript NM_213599.3 (MANE Select); coding-DNA positions 201 to 205, 5 bases deleted (CAAAG; older notation c.201_205delCAAAG).
Protein change: p.Ser67fs; shifts the reading frame from serine 67.
Molecular consequence: frameshift variant.
Genome position (GRCh38, 1-based): chr11:22,221,117-22,221,121, CAAAG deleted; deleting any 5 consecutive bases within chr11:22,221,110-22,221,121 gives the same sequence; the c. name uses the placement nearest the transcript's 3' end. VCF-style (leftmost placement, unchanged base first): chr11-22221109-CAGCAA-C. GRCh37 (hg19) VCF-style: chr11-22242655-CAGCAA-C.
Other names: c.201_205delCAAAG (NM_213599.2); c.198_202del, p.Ser66fs (NM_001142649.2); short protein forms S66fs, S67fs.
Identifiers: ClinVar variation 197908 (VCV000197908.47), dbSNP rs794727745, ClinGen allele CA203156.